The following is an entry in ClinVar:

ClinVar aggregate classification (germline): Conflicting classifications of pathogenicity. Review status: criteria provided, conflicting classifications (1 of 4 stars). 3 submissions from 3 submitters: Uncertain significance (1); Likely benign (1). 1 of the submissions does not count toward it. Last evaluated 2024-10-17.

Conditions:
COL6A3-related disorder. Also called: COL6A3-related disorders; COL6A3-related condition.
Bethlem myopathy 1A. Also called: Bethlem Muscular Dystrophy; MYOPATHY, BENIGN CONGENITAL, WITH CONTRACTURES; Bethlem myopathy 1. Identifiers: Orphanet 610, MedGen CN029274, MONDO:0024530, OMIM 158810.

Allele frequency attached by ClinVar (database versions not stated): gnomAD exomes 0.00004 and 0.00007; ExAC 0.00007; 1000 Genomes Project 30x 0.00016; 1000 Genomes Project 0.00020; gnomAD 0.00027 and 0.00029; TOPMed 0.00031; ESP Exome Variant Server 0.00038.
gnomAD v4.1: 93 of 1,613,470 alleles (0.0058%); highest among the groups gnomAD compares: African/African-American, 0.12%; no homozygotes.

Submissions (3):

Labcorp Genetics (formerly Invitae), Labcorp
Classification: Likely benign for Bethlem myopathy 1A. Last evaluated: 2024-10-17. Review status: criteria provided, single submitter. Criteria: Invitae Variant Classification Sherloc (09022015). Collection method: clinical testing. Allele origin: germline.

Eurofins Ntd Llc (ga)
Classification: Uncertain significance. Last evaluated: 2016-03-29. Review status: criteria provided, single submitter. Criteria: EGL Classification Definitions 2015. Collection method: clinical testing. Allele origin: germline. Observed: 1 variant allele, 1 heterozygote.

PreventionGenetics, part of Exact Sciences
Classification: Likely benign for COL6A3-related condition. Last evaluated: 2019-08-13. Review status: no assertion criteria provided. Collection method: clinical testing. Allele origin: germline. Not counted in ClinVar's aggregate classification.
Comment: This variant is classified as likely benign based on ACMG/AMP sequence variant interpretation guidelines (Richards et al. 2015 PMID: 25741868, with internal and published modifications).

NM_004369.4(COL6A3):c.9498C>T (p.Leu3166=)

Genes: COL6A3 (collagen type VI alpha 3 chain; minus strand), LOC126806573 (CDK7 strongly-dependent group 2 enhancer GRCh37_chr2:238233151-238234350; plus strand). Cytogenetic location: 2q37.3.
Variant type: single nucleotide variant.
Coding change: c.9498C>T on transcript NM_004369.4 (MANE Select); coding-DNA position 9498, C replaced by T.
Protein change: p.Leu3166=; no amino-acid change (leucine 3166 retained).
Molecular consequence: synonymous variant.
Genome position (GRCh38, 1-based): chr2:237,324,810, G>A on the plus strand (C>T on the coding strand, the complement: COL6A3 is on the minus strand). VCF-style: chr2-237324810-G-A. GRCh37 (hg19) VCF-style: chr2-238233453-G-A.
Other names: c.7677C>T, p.Leu2559= (NM_057166.5); c.8880C>T, p.Leu2960= (NM_057167.4).
Identifiers: ClinVar variation 287183 (VCV000287183.15), dbSNP rs150376179, ClinGen allele CA2187236.